The following is an entry in ClinVar:

ClinVar aggregate classification (germline): Uncertain significance (1 of 4 stars; one submission).

Conditions:
Hereditary cancer-predisposing syndrome. Also called: Tumor predisposition; Neoplastic Syndromes, Hereditary; Hereditary neoplastic syndrome; Hereditary Cancer Syndrome. Identifiers: Orphanet 140162, MedGen C0027672, MeSH D009386, MONDO:0015356.

Submission:

Ambry Genetics
Classification: Uncertain significance for Hereditary cancer-predisposing syndrome. Last evaluated: 2024-10-21. Review status: criteria provided, single submitter. Criteria: Ambry Variant Classification Scheme 2023. Collection method: clinical testing. Allele origin: germline.
Comment: The p.E306D variant (also known as c.918G>T), located in coding exon 7 of the SMARCB1 gene, results from a G to T substitution at nucleotide position 918. The glutamic acid at codon 306 is replaced by aspartic acid, an amino acid with highly similar properties. This amino acid position is conserved. In addition, this alteration is predicted to be deleterious by in silico analysis. Based on the available evidence, the clinical significance of this variant remains unclear.

NM_003073.5(SMARCB1):c.918G>T (p.Glu306Asp)

Gene: SMARCB1 (SWI/SNF related BAF chromatin remodeling complex subunit B1; plus strand). Cytogenetic location: 22q11.23.
Variant type: single nucleotide variant.
Coding change: c.918G>T on transcript NM_003073.5 (MANE Select); coding-DNA position 918, G replaced by T.
Protein change: p.Glu306Asp; replaces glutamic acid 306 with aspartic acid.
Molecular consequence: missense variant.
Genome position (GRCh38, 1-based): chr22:23,825,347, G>T. VCF-style: chr22-23825347-G-T. GRCh37 (hg19) VCF-style: chr22-24167534-G-T.
Other names: c.891G>T, p.Glu297Asp (NM_001007468.3); c.945G>T, p.Glu315Asp (NM_001317946.2); c.972G>T, p.Glu324Asp (NM_001362877.2); short protein forms E306D, E324D, E315D, E297D.
Identifiers: ClinVar variation 3446085 (VCV003446085.1).